The following is an entry in ClinVar:

ClinVar aggregate classification (germline): Likely pathogenic (1 of 4 stars; one submission).

Conditions:
PIBF1-related disorder. Also called: PIBF1-related condition.

Submission:

PreventionGenetics, part of Exact Sciences
Classification: Likely pathogenic for PIBF1-related condition. Last evaluated: 2024-10-25. Review status: criteria provided, single submitter. Criteria: ACMG Guidelines, 2015. Collection method: clinical testing. Allele origin: germline.
Comment: The PIBF1 c.1356_1360del5 variant is predicted to result in a frameshift and premature protein termination (p.Lys452Asnfs*8). To our knowledge, this variant has not been reported in the literature or in a large population database (gnomAD), indicating this variant is rare. Frameshift variants in PIBF1 are expected to be pathogenic. This variant is interpreted as likely pathogenic.

NM_006346.4(PIBF1):c.1356_1360del (p.Lys452fs)

Gene: PIBF1 (progesterone immunomodulatory binding factor 1; plus strand). Cytogenetic location: 13q22.1.
Variant type: Deletion.
Coding change: c.1356_1360del on transcript NM_006346.4 (MANE Select); coding-DNA positions 1356 to 1360, 5 bases deleted (AGTAA; older notation c.1356_1360delAGTAA).
Protein change: p.Lys452fs; shifts the reading frame from lysine 452.
Molecular consequence: frameshift variant. On other transcripts: non-coding transcript variant (2).
Genome position (GRCh38, 1-based): chr13:72,893,817-72,893,821, AGTAA deleted; deleting any 5 consecutive bases within chr13:72,893,815-72,893,821 gives the same sequence; the c. name uses the placement nearest the transcript's 3' end. VCF-style (leftmost placement, unchanged base first): chr13-72893814-CAAAGT-C. GRCh37 (hg19) VCF-style: chr13-73467952-CAAAGT-C.
Other names: c.1443_1447del, p.Lys481fs (NM_001349655.2); short protein forms K481fs, K452fs.
Identifiers: ClinVar variation 4997714 (VCV004997714.1).
Genomic context (GRCh38, chr13:72,893,814, plus strand): 5'-AGAGTGTCATAACCATTCTGCTTCTTTCAGGTACAGAGAACTACAACTTAGTACAGAAAG[CAAAGT>C]AACAGAATTTCTCCATCAAAGTAAATTAAAATCTTTTGAAAGTGAGCGTGTTCAACTTCT-3'